The following is an entry in ClinVar:

ClinVar aggregate classification (germline): Uncertain significance. Review status: criteria provided, multiple submitters, no conflicts (2 of 4 stars). 3 submissions from 3 submitters: Uncertain significance (3). Last evaluated 2025-11-03.

Conditions:
LMNB1-related disorder. Also called: LMNB1-related condition; LMNB1-Related Disorders.
Inborn genetic diseases. Identifiers: MedGen C0950123, MeSH D030342.

Allele frequency attached by ClinVar (database versions not stated): gnomAD 0.00001; ESP Exome Variant Server 0.00008; ExAC 0.00002; gnomAD exomes 0.00001.
gnomAD v4.1: 13 of 1,613,740 alleles (0.00081%); highest among the groups gnomAD compares: Non-Finnish European, 0.0011%; no homozygotes.

Submissions (3):

Ambry Genetics
Classification: Uncertain significance for Inborn genetic diseases. Last evaluated: 2025-11-03. Review status: criteria provided, single submitter. Criteria: Ambry Variant Classification Scheme 2023. Collection method: clinical testing. Allele origin: germline.

Labcorp Genetics (formerly Invitae), Labcorp
Classification: Uncertain significance. Last evaluated: 2024-02-10. Review status: criteria provided, single submitter. Criteria: Invitae Variant Classification Sherloc (09022015). Collection method: clinical testing. Allele origin: germline.
Comment: This sequence change replaces asparagine, which is neutral and polar, with tyrosine, which is neutral and polar, at codon 502 of the LMNB1 protein (p.Asn502Tyr). This variant is present in population databases (rs368823823, gnomAD 0.003%). This variant has not been reported in the literature in individuals affected with LMNB1-related conditions. ClinVar contains an entry for this variant (Variation ID: 2204776). Advanced modeling of protein sequence and biophysical properties (such as structural, functional, and spatial information, amino acid conservation, physicochemical variation, residue mobility, and thermodynamic stability) performed at Invitae indicates that this missense variant is expected to disrupt LMNB1 protein function with a positive predictive value of 80%. In summary, the available evidence is currently insufficient to determine the role of this variant in disease. Therefore, it has been classified as a Variant of Uncertain Significance.

PreventionGenetics, part of Exact Sciences
Classification: Uncertain significance for LMNB1-related condition. Last evaluated: 2023-02-26. Review status: criteria provided, single submitter. Criteria: ACMG Guidelines, 2015. Collection method: clinical testing. Allele origin: germline.
Comment: The LMNB1 c.1504A>T variant is predicted to result in the amino acid substitution p.Asn502Tyr. To our knowledge, this variant has not been reported in the literature. This variant is reported in 0.0026% of alleles in individuals of European (Non-Finnish) descent in gnomAD. At this time, the clinical significance of this variant is uncertain due to the absence of conclusive functional and genetic evidence.

NM_005573.4(LMNB1):c.1504A>T (p.Asn502Tyr)

Gene: LMNB1 (lamin B1; plus strand). Cytogenetic location: 5q23.2.
Variant type: single nucleotide variant.
Coding change: c.1504A>T on transcript NM_005573.4 (MANE Select); coding-DNA position 1504, A replaced by T.
Protein change: p.Asn502Tyr; replaces asparagine 502 with tyrosine.
Molecular consequence: missense variant. On other transcripts: non-coding transcript variant (1).
Genome position (GRCh38, 1-based): chr5:126,826,000, A>T. VCF-style: chr5-126826000-A-T. GRCh37 (hg19) VCF-style: chr5-126161692-A-T.
Other names: c.874A>T, p.Asn292Tyr (NM_001198557.2); short protein forms N502Y, N292Y.
Identifiers: ClinVar variation 2204776 (VCV002204776.5), dbSNP rs368823823, ClinGen allele CA3390740.